The following is an entry in ClinVar:

ClinVar aggregate classification (germline): Uncertain significance (1 of 4 stars; one submission).

Conditions:
Singleton-Merten syndrome 1 (SGMRT1). Also called: Widened medullary cavities of bone, aortic calcification, abnormal dentition, and muscular weakness; Syndrome of widened medullary cavities of the metacarpals and phalanges, aortic calcification and abnormal dentition. Identifiers: Orphanet 85191, MedGen C4225427, MONDO:0024535, OMIM 182250.
Aicardi-Goutieres syndrome 7 (AGS7). Identifiers: Orphanet 51, MedGen C3888244, MONDO:0014367, OMIM 615846.

Allele frequency attached by ClinVar (database versions not stated): TOPMed below 0.00001; gnomAD 0.00001.

Submission:

Labcorp Genetics (formerly Invitae), Labcorp
Classification: Uncertain significance for Aicardi-Goutieres syndrome 7; Singleton-Merten syndrome 1. Last evaluated: 2024-12-24. Review status: criteria provided, single submitter. Criteria: Invitae Variant Classification Sherloc (09022015). Collection method: clinical testing. Allele origin: germline.
Comment: This sequence change creates a premature translational stop signal (p.Thr124Asnfs*9) in the IFIH1 gene. It is expected to result in an absent or disrupted protein product. However, the current clinical and genetic evidence is not sufficient to establish whether loss-of-function variants in IFIH1 cause disease. This variant is present in population databases (no rsID available, gnomAD 0.007%). This variant has not been reported in the literature in individuals affected with IFIH1-related conditions. ClinVar contains an entry for this variant (Variation ID: 1486242). In summary, the available evidence is currently insufficient to determine the role of this variant in disease. Therefore, it has been classified as a Variant of Uncertain Significance.

NM_022168.4(IFIH1):c.370dup (p.Thr124fs)

Gene: IFIH1 (interferon induced with helicase C domain 1; minus strand). Cytogenetic location: 2q24.2.
Variant type: Duplication.
Coding change: c.370dup on transcript NM_022168.4 (MANE Select); coding-DNA position 370, one base duplicated (A; older notation c.370dupA).
Protein change: p.Thr124fs; shifts the reading frame from threonine 124.
Molecular consequence: frameshift variant.
Genome position (GRCh38, 1-based): chr2:162,317,938, T duplicated on the plus strand (A on the coding strand, the reverse complement: IFIH1 is on the minus strand). VCF-style (leftmost placement, unchanged base first): chr2-162317937-G-GT. GRCh37 (hg19) VCF-style: chr2-163174447-G-GT.
Other names: short protein forms T124fs.
Identifiers: ClinVar variation 1486242 (VCV001486242.6), dbSNP rs1414913745, ClinGen allele CA537507457.
Genomic context (GRCh38, chr2:162,317,937, plus strand): 5'-AACAGTTCCTCCTCCATGCACTTATCCAAGACGTCTCTAACTAGAAGCTTGTCCACCAGA[G>GT]TGGGCTGAAGGAGGTTCAGCAGTTGGAGATATTCATCATGAGCGTTCTCAAACGATGGAG-3'